The following is an entry in ClinVar:

NM_020442.6(VARS2):c.1864C>T (p.Leu622=)

Genes: VARS2 (valyl-tRNA synthetase 2, mitochondrial; plus strand), LOC126859646 (MED14-independent group 3 enhancer GRCh37_chr6:30889690-30890889; plus strand). Cytogenetic location: 6p21.33.
Variant type: single nucleotide variant.
Coding change: c.1864C>T on transcript NM_020442.6 (MANE Select); coding-DNA position 1864, C replaced by T.
Protein change: p.Leu622=; no amino-acid change (leucine 622 retained).
Molecular consequence: synonymous variant.
Genome position (GRCh38, 1-based): chr6:30,922,173, C>T. VCF-style: chr6-30922173-C-T. GRCh37 (hg19) VCF-style: chr6-30889950-C-T.
Other names: c.1444C>T, p.Leu482= (NM_001167733.3); c.1954C>T, p.Leu652= (NM_001167734.2).
Identifiers: ClinVar variation 382114 (VCV000382114.4), dbSNP rs1057521254, ClinGen allele CA16605088.
Genomic context (GRCh38, chr6:30,922,173, plus strand): 5'-TAGACCCCAGACCTTGCTCGTTTCTACCCCCTGTCACTTTTGGAAACGGGCAGCGACCTT[C>T]TGCTGTTCTGGGTGGGCCGCATGGTCATGTTGGGGACCCAGCTCACAGGGCAGCTGCCCT-3'
Protein context (NP_065175.4, residues 612-632): LSLLETGSDL[Leu622=]LFWVGRMVML

ClinVar aggregate classification (germline): Likely benign. Review status: criteria provided, multiple submitters, no conflicts (2 of 4 stars). 2 submissions from 2 submitters: Likely benign (2). Last evaluated 2024-01-04.

Allele frequency attached by ClinVar (database versions not stated): gnomAD exomes below 0.00001; TOPMed 0.00002; gnomAD 0.00004.
gnomAD v4.1: 9 of 1,612,754 alleles (0.00056%); highest among the groups gnomAD compares: African/African-American, 0.008%; no homozygotes.

Submissions (2):

Labcorp Genetics (formerly Invitae), Labcorp
Classification: Likely benign. Last evaluated: 2024-01-04. Review status: criteria provided, single submitter. Criteria: Invitae Variant Classification Sherloc (09022015). Collection method: clinical testing. Allele origin: germline.

GeneDx
Classification: Likely benign. Last evaluated: 2016-02-09. Review status: criteria provided, single submitter. Criteria: GeneDx Variant Classification (06012015). Collection method: clinical testing. Allele origin: germline. Affected: yes.
Comment: This variant is considered likely benign or benign based on one or more of the following criteria: it is a conservative change, it occurs at a poorly conserved position in the protein, it is predicted to be benign by multiple in silico algorithms, and/or has population frequency not consistent with disease.